The following is an entry in ClinVar:

ClinVar aggregate classification (germline): Likely benign (0 of 4 stars; one submission).

Conditions:
PKD1-related disorder. Also called: PKD1-related condition.

Submission:

PreventionGenetics, part of Exact Sciences
Classification: Likely benign for PKD1-related condition. Last evaluated: 2023-10-25. Review status: no assertion criteria provided. Collection method: clinical testing. Allele origin: germline.
Comment: This variant is classified as likely benign based on ACMG/AMP sequence variant interpretation guidelines (Richards et al. 2015 PMID: 25741868, with internal and published modifications).

NM_001009944.3(PKD1):c.8162-82del

Gene: PKD1 (polycystin 1, transient receptor potential channel interacting; minus strand). Cytogenetic location: 16p13.3.
Variant type: Deletion.
Coding change: c.8162-82del on transcript NM_001009944.3 (MANE Select); 82 bases into the intron before coding-DNA position 8162, one base deleted (C; older notation c.8162-82delC).
Molecular consequence: intron variant.
Genome position (GRCh38, 1-based): chr16:2,103,977, G deleted on the plus strand (C on the coding strand, the reverse complement: PKD1 is on the minus strand); the first of 5 consecutive G bases (chr16:2,103,977-2,103,981); deleting any one gives the same sequence. VCF-style (leftmost placement, unchanged base first): chr16-2103976-TG-T. GRCh37 (hg19) VCF-style: chr16-2153977-TG-T.
Other names: c.8162-82del (NM_000296.4).
Identifiers: ClinVar variation 3048982 (VCV003048982.2), dbSNP rs1174901884, ClinGen allele CA620705772.